The following is an entry in ClinVar:

NM_002692.4(POLE2):c.637T>A (p.Phe213Ile)

Gene: POLE2 (DNA polymerase epsilon 2, accessory subunit; minus strand). Cytogenetic location: 14q21.3.
Variant type: single nucleotide variant.
Coding change: c.637T>A on transcript NM_002692.4 (MANE Select); coding-DNA position 637, T replaced by A.
Protein change: p.Phe213Ile; replaces phenylalanine 213 with isoleucine.
Molecular consequence: missense variant.
Genome position (GRCh38, 1-based): chr14:49,664,671, A>T on the plus strand (T>A on the coding strand, the complement: POLE2 is on the minus strand). VCF-style: chr14-49664671-A-T. GRCh37 (hg19) VCF-style: chr14-50131389-A-T.
Other names: c.559T>A, p.Phe187Ile (NM_001197330.2); c.637T>A, p.Phe213Ile (NM_001197331.3, NM_001348384.2); c.637T>A (NM_002692.3); c.406T>A, p.Phe136Ile (NM_001348385.2); short protein forms F136I, F187I, F213I.
Identifiers: ClinVar variation 2413621 (VCV002413621.7), dbSNP rs369869091, ClinGen allele CA7173514.

ClinVar aggregate classification (germline): Uncertain significance. Review status: criteria provided, multiple submitters, no conflicts (2 of 4 stars). 2 submissions from 2 submitters: Uncertain significance (2). Last evaluated 2025-08-30.

Allele frequency attached by ClinVar (database versions not stated): ExAC 0.00001; gnomAD exomes 0.00001; gnomAD 0.00005; TOPMed 0.00005; ESP Exome Variant Server 0.00008.
gnomAD v4.1: 22 of 1,580,044 alleles (0.0014%); highest among the groups gnomAD compares: African/African-American, 0.023%; no homozygotes.

Submissions (2):

Ambry Genetics
Classification: Uncertain significance. Last evaluated: 2025-08-30. Review status: criteria provided, single submitter. Criteria: Ambry Variant Classification Scheme 2023. Collection method: clinical testing. Allele origin: germline.

Labcorp Genetics (formerly Invitae), Labcorp
Classification: Uncertain significance. Last evaluated: 2022-09-27. Review status: criteria provided, single submitter. Criteria: Invitae Variant Classification Sherloc (09022015). Collection method: clinical testing. Allele origin: germline.
Comment: This sequence change replaces phenylalanine, which is neutral and non-polar, with isoleucine, which is neutral and non-polar, at codon 213 of the POLE2 protein (p.Phe213Ile). This variant is present in population databases (rs369869091, gnomAD 0.01%). This variant has not been reported in the literature in individuals affected with POLE2-related conditions. Algorithms developed to predict the effect of missense changes on protein structure and function are either unavailable or do not agree on the potential impact of this missense change (SIFT: "Tolerated"; PolyPhen-2: "Possibly Damaging"; Align-GVGD: "Class C0"). In summary, the available evidence is currently insufficient to determine the role of this variant in disease. Therefore, it has been classified as a Variant of Uncertain Significance.